The following is an entry in ClinVar:

NM_006514.4(SCN10A):c.3056G>A (p.Ser1019Asn)

Genes: SCN10A (sodium voltage-gated channel alpha subunit 10; minus strand), LOC110121288 (VISTA enhancer hs2268; plus strand). Cytogenetic location: 3p22.2.
Variant type: single nucleotide variant.
Coding change: c.3056G>A on transcript NM_006514.4 (MANE Select); coding-DNA position 3056, G replaced by A.
Protein change: p.Ser1019Asn; replaces serine 1019 with asparagine.
Molecular consequence: missense variant.
Genome position (GRCh38, 1-based): chr3:38,726,637, C>T on the plus strand (G>A on the coding strand, the complement: SCN10A is on the minus strand). VCF-style: chr3-38726637-C-T. GRCh37 (hg19) VCF-style: chr3-38768128-C-T.
Other names: c.3056G>A, p.Ser1019Asn (NM_001293306.2); c.2762G>A, p.Ser921Asn (NM_001293307.2); c.3056G>A (NM_006514.2); short protein forms S1019N, S921N.
Identifiers: ClinVar variation 2145060 (VCV002145060.6), dbSNP rs2470670486, ClinGen allele CA352157253.
Genomic context (GRCh38, chr3:38,726,637, plus strand): 5'-TGTGGCTGTCCCTTGGGGATAACTCTTACCTGTCCTTTGGGGATCACTTCCTGCTGGAAG[C>T]TCTGAGCATCTTCCCCACCATCATCCTCCAAGTCATCAAGATCAGATTCACCCTCAGCAA-3'
Protein context (NP_006505.4, residues 1009-1029): LEDDGGEDAQ[Ser1019Asn]FQQEVIPKGQ

ClinVar aggregate classification (germline): Uncertain significance. Review status: criteria provided, multiple submitters, no conflicts (2 of 4 stars). 2 submissions from 2 submitters: Uncertain significance (2). Last evaluated 2023-01-18.

Conditions:
Brugada syndrome. Also called: Sudden unexpected nocturnal death syndrome; Sudden Unexplained Death Syndrome; Sudden Unexplained Nocturnal Death Syndrome (SUNDS); Sudden unexplained nocturnal death syndrome. Identifiers: Orphanet 130, MedGen C1142166, MONDO:0015263.
Cardiovascular phenotype. Identifiers: MedGen CN230736.

Allele frequency attached by ClinVar (database versions not stated): gnomAD exomes below 0.00001.
gnomAD v4.1: 4 of 1,598,710 alleles (0.00025%); highest among the groups gnomAD compares: Non-Finnish European, 0.00034%; no homozygotes.

Submissions (2):

Ambry Genetics
Classification: Uncertain significance for Cardiovascular phenotype. Last evaluated: 2023-01-18. Review status: criteria provided, single submitter. Criteria: Ambry Variant Classification Scheme 2023. Collection method: clinical testing. Allele origin: germline.
Comment: The p.S1019N variant (also known as c.3056G>A), located in coding exon 16 of the SCN10A gene, results from a G to A substitution at nucleotide position 3056. The serine at codon 1019 is replaced by asparagine, an amino acid with highly similar properties. This amino acid position is conserved. In addition, this alteration is predicted to be tolerated by in silico analysis. Since supporting evidence is limited at this time, the clinical significance of this alteration remains unclear.

Labcorp Genetics (formerly Invitae), Labcorp
Classification: Uncertain significance for Brugada syndrome. Last evaluated: 2022-07-26. Review status: criteria provided, single submitter. Criteria: Invitae Variant Classification Sherloc (09022015). Collection method: clinical testing. Allele origin: germline.
Comment: In summary, the available evidence is currently insufficient to determine the role of this variant in disease. Therefore, it has been classified as a Variant of Uncertain Significance. Advanced modeling of protein sequence and biophysical properties (such as structural, functional, and spatial information, amino acid conservation, physicochemical variation, residue mobility, and thermodynamic stability) performed at Invitae indicates that this missense variant is not expected to disrupt SCN10A protein function. This variant has not been reported in the literature in individuals affected with SCN10A-related conditions. This variant is not present in population databases (gnomAD no frequency). This sequence change replaces serine, which is neutral and polar, with asparagine, which is neutral and polar, at codon 1019 of the SCN10A protein (p.Ser1019Asn).